The following is an entry in ClinVar:

NM_006662.3(SRCAP):c.3860C>A (p.Thr1287Asn)

Gene: SRCAP (Snf2 related CREBBP activator protein; plus strand). Cytogenetic location: 16p11.2.
Variant type: single nucleotide variant.
Coding change: c.3860C>A on transcript NM_006662.3 (MANE Select); coding-DNA position 3860, C replaced by A.
Protein change: p.Thr1287Asn; replaces threonine 1287 with asparagine.
Molecular consequence: missense variant.
Genome position (GRCh38, 1-based): chr16:30,722,716, C>A. VCF-style: chr16-30722716-C-A. GRCh37 (hg19) VCF-style: chr16-30734037-C-A.
Other names: short protein forms T1287N.
Identifiers: ClinVar variation 4278772 (VCV004278772.1).
Genomic context (GRCh38, chr16:30,722,716, plus strand): 5'-CTGGCCCTACCCCTGTCTCTGTGCTGCCTTCTTCGACCCCCAGCACCACCCCTGCCCCTA[C>A]TGGCCTCAGCCTTCCGCTTGCTGCTAACCAGGGTGAGGCTCCTGGCCTTCCTACTTAGCC-3'
Protein context (NP_006653.2, residues 1277-1297): SSTPSTTPAP[Thr1287Asn]GLSLPLAANQ

ClinVar aggregate classification (germline): Uncertain significance (1 of 4 stars; one submission).

Submission:

GeneDx
Classification: Uncertain significance. Last evaluated: 2025-04-01. Review status: criteria provided, single submitter. Criteria: GeneDx Variant Classification Process June 2021. Collection method: clinical testing. Allele origin: germline. Affected: yes.
Comment: Not observed at significant frequency in large population cohorts (gnomAD); In silico analysis indicates that this missense variant does not alter protein structure/function; Has not been previously published as pathogenic or benign to our knowledge